The following is an entry in ClinVar:

ClinVar aggregate classification (germline): Uncertain significance (1 of 4 stars; one submission).

Conditions:
Hereditary cancer-predisposing syndrome. Also called: Tumor predisposition; Hereditary Cancer Syndrome; Neoplastic Syndromes, Hereditary; Hereditary neoplastic syndrome. Identifiers: Orphanet 140162, MedGen C0027672, MeSH D009386, MONDO:0015356.

Allele frequency attached by ClinVar (database versions not stated): gnomAD 0.00001.

Submission:

Ambry Genetics
Classification: Uncertain significance for Hereditary cancer-predisposing syndrome. Last evaluated: 2018-11-26. Review status: criteria provided, single submitter. Criteria: Ambry Variant Classification Scheme 2023. Collection method: clinical testing. Allele origin: germline.
Comment: The p.D880V variant (also known as c.2639A>T), located in coding exon 4 of the MSH6 gene, results from an A to T substitution at nucleotide position 2639. The aspartic acid at codon 880 is replaced by valine, an amino acid with highly dissimilar properties. This amino acid position is not well conserved in available vertebrate species. In addition, the in silico prediction for this alteration is inconclusive. In addition, the CoDP in silico tool predicts this alteration to have minor impact on molecular function, with a score of 0.560 (Terui H et al. J. Biomed. Sci. 2013 Apr;20:25). Since supporting evidence is limited at this time, the clinical significance of this alteration remains unclear.

NM_000179.3(MSH6):c.2639A>T (p.Asp880Val)

Gene: MSH6 (mutS homolog 6; plus strand). Cytogenetic location: 2p16.3.
Variant type: single nucleotide variant.
Coding change: c.2639A>T on transcript NM_000179.3 (MANE Select); coding-DNA position 2639, A replaced by T.
Protein change: p.Asp880Val; replaces aspartic acid 880 with valine.
Molecular consequence: missense variant.
Genome position (GRCh38, 1-based): chr2:47,800,622, A>T. VCF-style: chr2-47800622-A-T. GRCh37 (hg19) VCF-style: chr2-48027761-A-T.
Other names: c.2249A>T, p.Asp750Val (NM_001281492.2); c.1733A>T, p.Asp578Val (NM_001281493.2, NM_001281494.2); short protein forms D578V, D880V, D750V.
Identifiers: ClinVar variation 821600 (VCV000821600.4), dbSNP rs1572727935, ClinGen allele CA346755108.